The following is an entry in ClinVar:

ClinVar aggregate classification (germline): Uncertain significance. Review status: criteria provided, single submitter (1 of 4 stars). 2 submissions from 2 submitters: Uncertain significance (1). 1 of the submissions does not count toward it. Last evaluated 2022-10-13.

Conditions:
Glycogen storage disease type III (GSD3). Also called: Cori disease; FORBES DISEASE. Identifiers: Orphanet 366, MedGen C0017922, MONDO:0009291, OMIM 232400.

Allele frequency attached by ClinVar (database versions not stated): gnomAD below 0.00001 and 0.00001; TOPMed 0.00001.
gnomAD v4.1: 2 of 1,613,628 alleles (0.00012%); highest among the groups gnomAD compares: South Asian, 0.0011%; no homozygotes.

Submissions (2):

Labcorp Genetics (formerly Invitae), Labcorp
Classification: Uncertain significance for Glycogen storage disease type III. Last evaluated: 2022-10-13. Review status: criteria provided, single submitter. Criteria: Invitae Variant Classification Sherloc (09022015). Collection method: clinical testing. Allele origin: germline.
Comment: This sequence change replaces serine, which is neutral and polar, with threonine, which is neutral and polar, at codon 962 of the AGL protein (p.Ser962Thr). This variant is not present in population databases (gnomAD no frequency). This variant has not been reported in the literature in individuals affected with AGL-related conditions. ClinVar contains an entry for this variant (Variation ID: 963913). Advanced modeling of protein sequence and biophysical properties (such as structural, functional, and spatial information, amino acid conservation, physicochemical variation, residue mobility, and thermodynamic stability) performed at Invitae indicates that this missense variant is not expected to disrupt AGL protein function. In summary, the available evidence is currently insufficient to determine the role of this variant in disease. Therefore, it has been classified as a Variant of Uncertain Significance.

Natera, Inc.
Classification: Uncertain significance for Glycogen storage disease type III. Last evaluated: 2020-01-24. Review status: no assertion criteria provided. Collection method: clinical testing. Allele origin: germline. Not counted in ClinVar's aggregate classification.

NM_000642.3(AGL):c.2884T>A (p.Ser962Thr)

Gene: AGL (amylo-alpha-1,6-glucosidase and 4-alpha-glucanotransferase; plus strand). Cytogenetic location: 1p21.2.
Variant type: single nucleotide variant.
Coding change: c.2884T>A on transcript NM_000642.3 (MANE Select); coding-DNA position 2884, T replaced by A.
Protein change: p.Ser962Thr; replaces serine 962 with threonine.
Molecular consequence: missense variant.
Genome position (GRCh38, 1-based): chr1:99,891,291, T>A. VCF-style: chr1-99891291-T-A. GRCh37 (hg19) VCF-style: chr1-100356847-T-A.
Other names: c.2836T>A, p.Ser946Thr (NM_000646.3); c.2884T>A, p.Ser962Thr (NM_001425325.1, NM_000028.3, NM_000643.3 and 1 more transcripts); c.2863T>A, p.Ser955Thr (NM_001425326.1); c.2683T>A, p.Ser895Thr (NM_001425327.1); c.2680T>A, p.Ser894Thr (NM_001425328.1); c.2545T>A, p.Ser849Thr (NM_001425329.1); c.2506T>A, p.Ser836Thr (NM_001425332.1); short protein forms S946T, S962T, S836T, S849T, S894T, S895T, S955T.
Identifiers: ClinVar variation 963913 (VCV000963913.8), dbSNP rs1000217312, ClinGen allele CA27526403.